The following is an entry in ClinVar:

NM_000135.4(FANCA):c.2959G>C (p.Ala987Pro)

Gene: FANCA (FA complementation group A; minus strand). Cytogenetic location: 16q24.3.
Variant type: single nucleotide variant.
Coding change: c.2959G>C on transcript NM_000135.4 (MANE Select); coding-DNA position 2959, G replaced by C.
Protein change: p.Ala987Pro; replaces alanine 987 with proline.
Molecular consequence: missense variant.
Genome position (GRCh38, 1-based): chr16:89,758,599, C>G on the plus strand (G>C on the coding strand, the complement: FANCA is on the minus strand). VCF-style: chr16-89758599-C-G. GRCh37 (hg19) VCF-style: chr16-89825007-C-G.
Other names: c.2959G>C (LRG_495t1); c.2959G>C, p.Ala987Pro (NM_001286167.3); short protein forms A987P.
Identifiers: ClinVar variation 456105 (VCV000456105.5), dbSNP rs752735858, ClinGen allele CA397430998.

ClinVar aggregate classification (germline): Uncertain significance. Review status: criteria provided, single submitter (1 of 4 stars). 3 submissions from 3 submitters: Uncertain significance (1). 2 of the submissions do not count toward it. Last evaluated 2017-06-21.

Conditions:
Fanconi anemia (FA). Also called: Fanconi's anemia. Identifiers: Orphanet 84, MedGen C0015625, MeSH D005199, MONDO:0019391.
Fanconi anemia complementation group A (FANCA). Also called: Fanconi anemia, group A; FANCA-Related Fanconi Anemia. Identifiers: Orphanet 84, MedGen C3469521, MONDO:0009215, OMIM 227650.

gnomAD v4.1: 1 of 1,613,838 alleles (0.000062%); highest among the groups gnomAD compares: East Asian, 0.0022%; no homozygotes.

Submissions (3):

Labcorp Genetics (formerly Invitae), Labcorp
Classification: Uncertain significance for Fanconi anemia. Last evaluated: 2017-06-21. Review status: criteria provided, single submitter. Criteria: Invitae Variant Classification Sherloc (09022015). Collection method: clinical testing. Allele origin: germline.
Comment: This sequence change replaces alanine with proline at codon 987 of the FANCA protein (p.Ala987Pro). The alanine residue is weakly conserved and there is a small physicochemical difference between alanine and proline. This variant is not present in population databases (ExAC no frequency). This variant has been reported in the homozygote state in two siblings from a single family presenting with features consistent with Fanconi anemia (PMID: 21519011). Algorithms developed to predict the effect of missense changes on protein structure and function (SIFT, PolyPhen-2, Align-GVGD) all suggest that this variant is likely to be tolerated, but these predictions have not been confirmed by published functional studies and their clinical significance is uncertain. In summary, this variant has uncertain impact on FANCA function. The available evidence is currently insufficient to determine its role in disease. Therefore, it has been classified as a Variant of Uncertain Significance.

Natera, Inc.
Classification: Uncertain significance for Fanconi anemia. Last evaluated: 2021-03-16. Review status: no assertion criteria provided. Collection method: clinical testing. Allele origin: germline. Not counted in ClinVar's aggregate classification.

Counsyl
Classification: Uncertain significance for Fanconi anemia complementation group A. Last evaluated: 2017-11-09. Review status: no assertion criteria provided. Collection method: clinical testing. Allele origin: unknown. Not counted in ClinVar's aggregate classification.

Literature cited by the submitters: PubMed 21519011 (cited by Counsyl).